The following is an entry in ClinVar:

NM_001081.4(CUBN):c.5134C>T (p.Leu1712=)

Gene: CUBN (cubilin; minus strand). Cytogenetic location: 10p13.
Variant type: single nucleotide variant.
Coding change: c.5134C>T on transcript NM_001081.4 (MANE Select); coding-DNA position 5134, C replaced by T.
Protein change: p.Leu1712=; no amino-acid change (leucine 1712 retained).
Molecular consequence: synonymous variant.
Genome position (GRCh38, 1-based): chr10:16,948,553, G>A on the plus strand (C>T on the coding strand, the complement: CUBN is on the minus strand). VCF-style: chr10-16948553-G-A. GRCh37 (hg19) VCF-style: chr10-16990552-G-A.
Other names: p.Leu1712=.
Identifiers: ClinVar variation 299469 (VCV000299469.18), dbSNP rs2271468, ClinGen allele CA5424119.

ClinVar aggregate classification (germline): Benign. Review status: criteria provided, multiple submitters, no conflicts (2 of 4 stars). 6 submissions from 6 submitters: Benign (6). Last evaluated 2026-02-02.

Conditions:
Imerslund-Grasbeck syndrome type 1 (IGS1). Also called: Megaloblastic anemia 1, Finnish type; MEGALOBLASTIC ANEMIA, 1; Imerslund-Gräsbeck syndrome 1. Identifiers: MedGen C4016819, MONDO:0100156, OMIM 261100.
Imerslund-Grasbeck syndrome. Also called: ENTEROCYTE COBALAMIN MALABSORPTION; ENTEROCYTE INTRINSIC FACTOR RECEPTOR, DEFECT OF; Imerslund-Gräsbeck syndrome; PERNICIOUS ANEMIA, JUVENILE, DUE TO SELECTIVE INTESTINAL MALABSORPTION OF VITAMIN B12, WITH PROTEINURIA; Megaloblastic anemia due to inborn errors of metabolism. Identifiers: Orphanet 35858, MedGen C4551825, MONDO:0009853.

Allele frequency attached by ClinVar (database versions not stated): gnomAD exomes 0.03258 and 0.07633; ESP Exome Variant Server 0.05690; ExAC 0.06917; gnomAD 0.07145 and 0.07161; TOPMed 0.08904; 1000 Genomes Project 0.11821; 1000 Genomes Project 30x 0.12320.

Submissions (6):

Labcorp Genetics (formerly Invitae), Labcorp
Classification: Benign for Imerslund-Grasbeck syndrome. Last evaluated: 2026-02-02. Review status: criteria provided, single submitter. Criteria: Invitae Variant Classification Sherloc (09022015). Collection method: clinical testing. Allele origin: germline.

Blueprint Genetics
Classification: Benign. Last evaluated: 2024-11-27. Review status: criteria provided, single submitter. Criteria: ACMG Guidelines, 2015. Collection method: clinical testing. Allele origin: germline.

Mayo Clinic Laboratories, Mayo Clinic
Classification: Benign. Last evaluated: 2022-03-09. Review status: criteria provided, single submitter. Criteria: ACMG Guidelines, 2015. Collection method: clinical testing. Allele origin: germline. Observed: 34 variant alleles.

GeneDx
Classification: Benign. Last evaluated: 2018-07-07. Review status: criteria provided, single submitter. Criteria: GeneDx Variant Classification Process June 2021. Collection method: clinical testing. Allele origin: germline. Affected: yes.

Illumina Laboratory Services, Illumina
Classification: Benign for Imerslund-Grasbeck syndrome type 1. Last evaluated: 2018-01-13. Review status: criteria provided, single submitter. Criteria: ICSL Variant Classification Criteria 13 December 2019. Collection method: clinical testing. Allele origin: germline.
Comment: This variant was observed in the ICSL laboratory as part of a predisposition screen in an ostensibly healthy population. It had not been previously curated by ICSL or reported in the Human Gene Mutation Database (HGMD: prior to June 1st, 2018), and was therefore a candidate for classification through an automated scoring system. Utilizing variant allele frequency, disease prevalence and penetrance estimates, and inheritance mode, an automated score was calculated to assess if this variant is too frequent to cause the disease. Based on the score and internal cut-off values, a variant classified as benign is not then subjected to further curation. The score for this variant resulted in a classification of benign for this disease.

Breakthrough Genomics
Classification: Benign. Review status: criteria provided, single submitter. Criteria: ACMG Guidelines, 2015. Collection method: not provided. Allele origin: germline. Inheritance: Autosomal recessive inheritance. Affected: yes.